The following is an entry in ClinVar:

ClinVar aggregate classification (germline): Pathogenic (1 of 4 stars; one submission).

Conditions:
Familial intrahepatic cholestasis. Identifiers: Orphanet 284385, MedGen CN296401, MONDO:0017290.

Submission:

Genomenon, Inc
Classification: Pathogenic for Familial intrahepatic cholestasis. Last evaluated: 2026-04-14. Review status: criteria provided, single submitter. Criteria: Genomenon Sequence Variant Interpretation Standards - Updated. Collection method: curation. Allele origin: germline. Affected: yes.
Comment: ABCB11 p.Lys829AlafsTer3 (c.2484_2488del) is a frameshift variant that results in the production of a truncated protein which is predicted to undergo nonsense-mediated mRNA decay. This variant has been observed in at least one proband with an ABCB11-related disorder (PMID:32808743). It is absent or not present at a significant frequency in gnomAD. In conclusion, we classify ABCB11 p.Lys829AlafsTer3 (c.2484_2488del) as a pathogenic variant.

Literature cited by the submitters: PubMed 32808743.

NM_003742.4(ABCB11):c.2484_2488del (p.Lys829fs)

Gene: ABCB11 (ATP binding cassette subfamily B member 11; minus strand). Cytogenetic location: 2q31.1.
Variant type: Deletion.
Coding change: c.2484_2488del on transcript NM_003742.4 (MANE Select); coding-DNA positions 2484 to 2488, 5 bases deleted (AAAAA; older notation c.2484_2488delAAAAA).
Protein change: p.Lys829fs; shifts the reading frame from lysine 829.
Molecular consequence: frameshift variant.
Genome position (GRCh38, 1-based): chr2:168,944,727-168,944,731, TTTTT deleted on the plus strand (AAAAA on the coding strand, the reverse complement: ABCB11 is on the minus strand). VCF-style (leftmost placement, unchanged base first): chr2-168944726-CTTTTT-C. GRCh37 (hg19) VCF-style: chr2-169801236-CTTTTT-C.
Other names: short protein forms K829fs.
Identifiers: ClinVar variation 4846071 (VCV004846071.1).